The following is an entry in ClinVar:

ClinVar aggregate classification (germline): Uncertain significance (1 of 4 stars; one submission).

Conditions:
Nephronophthisis 9 (NPHP9). Identifiers: Orphanet 655, MedGen C3151188, MONDO:0013444, OMIM 613824.

Allele frequency attached by ClinVar (database versions not stated): gnomAD 0.00001; gnomAD exomes 0.00001; TOPMed 0.00001.

Submission:

Labcorp Genetics (formerly Invitae), Labcorp
Classification: Uncertain significance for Nephronophthisis 9. Last evaluated: 2021-09-24. Review status: criteria provided, single submitter. Criteria: Invitae Variant Classification Sherloc (09022015). Collection method: clinical testing. Allele origin: germline.
Comment: This sequence change replaces arginine with cysteine at codon 349 of the NEK8 protein (p.Arg349Cys). The arginine residue is moderately conserved and there is a large physicochemical difference between arginine and cysteine. This variant is not present in population databases (ExAC no frequency). This variant has not been reported in the literature in individuals with NEK8-related conditions. Algorithms developed to predict the effect of missense changes on protein structure and function (SIFT, PolyPhen-2, Align-GVGD) all suggest that this variant is likely to be disruptive, but these predictions have not been confirmed by published functional studies and their clinical significance is uncertain. In summary, the available evidence is currently insufficient to determine the role of this variant in disease. Therefore, it has been classified as a Variant of Uncertain Significance.

NM_178170.3(NEK8):c.1045C>T (p.Arg349Cys)

Gene: NEK8 (NIMA related kinase 8; plus strand). Cytogenetic location: 17q11.2.
Variant type: single nucleotide variant.
Coding change: c.1045C>T on transcript NM_178170.3 (MANE Select); coding-DNA position 1045, C replaced by T.
Protein change: p.Arg349Cys; replaces arginine 349 with cysteine.
Molecular consequence: missense variant.
Genome position (GRCh38, 1-based): chr17:28,737,974, C>T. VCF-style: chr17-28737974-C-T. GRCh37 (hg19) VCF-style: chr17-27064992-C-T.
Other names: short protein forms R349C.
Identifiers: ClinVar variation 1478356 (VCV001478356.5), dbSNP rs889694432, ClinGen allele CA289113881.